The following is an entry in ClinVar:

ClinVar aggregate classification (germline): Uncertain significance (1 of 4 stars; one submission).

Conditions:
Emery-Dreifuss muscular dystrophy 4, autosomal dominant (EDMD4). Also called: EMERY-DREIFUSS MUSCULAR DYSTROPHY 4 WITH VARIABLE FEATURES. Identifiers: Orphanet 261, MedGen C2751807, MONDO:0013071, OMIM 612998.
Autosomal recessive ataxia, Beauce type. Also called: SYNE1-Related Autosomal Recessive Cerebellar Ataxia; Spinocerebellar ataxia, autosomal recessive 8; ATAXIA, RECESSIVE, OF BEAUCE; SYNE1 Deficiency. Identifiers: Orphanet 88644, MedGen C1853116, MONDO:0012549, OMIM 610743.

Allele frequency attached by ClinVar (database versions not stated): TOPMed below 0.00001.

Submission:

Labcorp Genetics (formerly Invitae), Labcorp
Classification: Uncertain significance for Emery-Dreifuss muscular dystrophy 4, autosomal dominant; Autosomal recessive ataxia, Beauce type. Last evaluated: 2021-12-02. Review status: criteria provided, single submitter. Criteria: Invitae Variant Classification Sherloc (09022015). Collection method: clinical testing. Allele origin: germline.
Comment: This sequence change replaces glycine, which is neutral and non-polar, with alanine, which is neutral and non-polar, at codon 4555 of the SYNE1 protein (p.Gly4555Ala). This variant is not present in population databases (gnomAD no frequency). This variant has not been reported in the literature in individuals affected with SYNE1-related conditions. Algorithms developed to predict the effect of missense changes on protein structure and function (SIFT, PolyPhen-2, Align-GVGD) all suggest that this variant is likely to be disruptive. In summary, the available evidence is currently insufficient to determine the role of this variant in disease. Therefore, it has been classified as a Variant of Uncertain Significance.

NM_182961.4(SYNE1):c.13877G>C (p.Gly4626Ala)

Gene: SYNE1 (spectrin repeat containing nuclear envelope protein 1; minus strand). Cytogenetic location: 6q25.2.
Variant type: single nucleotide variant.
Coding change: c.13877G>C on transcript NM_182961.4 (MANE Select); coding-DNA position 13877, G replaced by C.
Protein change: p.Gly4626Ala; replaces glycine 4626 with alanine.
Molecular consequence: missense variant.
Genome position (GRCh38, 1-based): chr6:152,330,808, C>G on the plus strand (G>C on the coding strand, the complement: SYNE1 is on the minus strand). VCF-style: chr6-152330808-C-G. GRCh37 (hg19) VCF-style: chr6-152651943-C-G.
Other names: c.13664G>C, p.Gly4555Ala (NM_033071.5); short protein forms G4555A, G4626A.
Identifiers: ClinVar variation 1367467 (VCV001367467.8), dbSNP rs2096230090, ClinGen allele CA366099515.